The following is an entry in ClinVar:

ClinVar aggregate classification (germline): Uncertain significance (1 of 4 stars; one submission).

Conditions:
Familial thoracic aortic aneurysm and aortic dissection (TAAD). Also called: Thoracic aortic aneurysms and dissections. Identifiers: Orphanet 91387, MedGen C4707243, MONDO:0019625.

Submission:

Color Diagnostics, LLC DBA Color Health
Classification: Uncertain significance for Familial thoracic aortic aneurysm and aortic dissection. Last evaluated: 2022-09-06. Review status: criteria provided, single submitter. Criteria: ACMG Guidelines, 2015. Collection method: clinical testing. Allele origin: germline.
Comment: This variant causes a deletion of alanine at codon 32 of the MYH11 protein. To our knowledge, functional studies have not been reported for this variant. This variant has not been reported in individuals affected with cardiovascular disorders in the literature. This variant has not been identified in the general population by the Genome Aggregation Database (gnomAD). The available evidence is insufficient to determine the role of this variant in disease conclusively. Therefore, this variant is classified as a Variant of Uncertain Significance.

NM_002474.3(MYH11):c.91GCC[1] (p.Ala32del)

Gene: MYH11 (myosin heavy chain 11; minus strand). Cytogenetic location: 16p13.11.
Variant type: Microsatellite.
Coding change: c.91GCC[1] on transcript NM_002474.3 (MANE Select); one copy of the 3-base unit GCC starting at c.91; the reference has two copies in a row; one copy, 3 bases deleted.
Protein change: p.Ala32del; deletes alanine 32.
Molecular consequence: inframe deletion.
Genome position (GRCh38, 1-based): chr16:15,838,157-15,838,159, GGC deleted on the plus strand (GCC on the coding strand, the reverse complement: MYH11 is on the minus strand); deleting any 3 consecutive bases within chr16:15,838,157-15,838,162 gives the same sequence; the position shown is the placement nearest the transcript's 3' end. VCF-style (leftmost placement, unchanged base first): chr16-15838156-TGGC-T. GRCh37 (hg19) VCF-style: chr16-15932013-TGGC-T.
Other names: c.91GCC[1], p.Ala32del (NM_001040113.2, NM_001040114.2, NM_022844.3); c.94_96del (NM_001040113.2); short protein forms A32del.
Identifiers: ClinVar variation 2773885 (VCV002773885.2), dbSNP rs2151381505, ClinGen allele CA2697555666.